The following is an entry in ClinVar:

NM_173500.4(TTBK2):c.3543G>A (p.Ser1181=)

Gene: TTBK2 (tau tubulin kinase 2; minus strand). Cytogenetic location: 15q15.2.
Variant type: single nucleotide variant.
Coding change: c.3543G>A on transcript NM_173500.4 (MANE Select); coding-DNA position 3543, G replaced by A.
Protein change: p.Ser1181=; no amino-acid change (serine 1181 retained).
Molecular consequence: synonymous variant.
Genome position (GRCh38, 1-based): chr15:42,745,987, C>T on the plus strand (G>A on the coding strand, the complement: TTBK2 is on the minus strand). VCF-style: chr15-42745987-C-T. GRCh37 (hg19) VCF-style: chr15-43038185-C-T.
Identifiers: ClinVar variation 315975 (VCV000315975.54), dbSNP rs199635198, ClinGen allele CA7516551.

ClinVar aggregate classification (germline): Benign/Likely benign. Review status: criteria provided, multiple submitters, no conflicts (2 of 4 stars). 4 submissions from 4 submitters: Benign (2); Likely benign (2). Last evaluated 2026-07-01.

Conditions:
Spinocerebellar ataxia type 11 (SCA11). Identifiers: Orphanet 98767, MedGen C1858351, MONDO:0011464, OMIM 604432.

Allele frequency attached by ClinVar (database versions not stated): gnomAD 0.00016 and 0.00021; gnomAD exomes 0.00023 and 0.00026; ExAC 0.00027; ESP Exome Variant Server 0.00032; TOPMed 0.00035; 1000 Genomes Project 0.00040; 1000 Genomes Project 30x 0.00047.
gnomAD v4.1: 368 of 1,614,048 alleles (0.023%); highest among the groups gnomAD compares: East Asian, 0.16%; no homozygotes.

Submissions (4):

CeGaT Center for Human Genetics Tuebingen
Classification: Likely benign. Last evaluated: 2026-07-01. Review status: criteria provided, single submitter. Criteria: CeGaT Center For Human Genetics Tuebingen Variant Classification Criteria Version 2. Collection method: clinical testing. Allele origin: germline. Affected: yes. Observed: 2 variant alleles.
Comment: TTBK2: BP4, BP7

Labcorp Genetics (formerly Invitae), Labcorp
Classification: Benign. Last evaluated: 2025-04-12. Review status: criteria provided, single submitter. Criteria: Invitae Variant Classification Sherloc (09022015). Collection method: clinical testing. Allele origin: germline.

Athena Diagnostics
Classification: Benign. Last evaluated: 2020-12-18. Review status: criteria provided, single submitter. Criteria: Athena Diagnostics criteria. Collection method: clinical testing. Allele origin: unknown.

Illumina Laboratory Services, Illumina
Classification: Likely benign for Spinocerebellar ataxia type 11. Last evaluated: 2018-01-13. Review status: criteria provided, single submitter. Criteria: ICSL Variant Classification Criteria 13 December 2019. Collection method: clinical testing. Allele origin: germline.
Comment: This variant was observed in the ICSL laboratory as part of a predisposition screen in an ostensibly healthy population. It had not been previously curated by ICSL or reported in the Human Gene Mutation Database (HGMD: prior to June 1st, 2018), and was therefore a candidate for classification through an automated scoring system. Utilizing variant allele frequency, disease prevalence and penetrance estimates, and inheritance mode, an automated score was calculated to assess if this variant is too frequent to cause the disease. Based on the score and internal cut-off values, a variant classified as likely benign is not then subjected to further curation. The score for this variant resulted in a classification of likely benign for this disease.